The following is an entry in ClinVar:

ClinVar aggregate classification (germline): Uncertain significance (1 of 4 stars; one submission).

Conditions:
Spinocerebellar ataxia type 29 (SCA29). Also called: CEREBELLAR ATAXIA, CONGENITAL NONPROGRESSIVE, AUTOSOMAL DOMINANT; Spinocerebellar ataxia 29, congenital nonprogressive. Identifiers: Orphanet 208513, MedGen C1861732, MONDO:0007298, OMIM 117360.
Gillespie syndrome (GLSP). Also called: Aniridia, cerebellar ataxia, and mental deficiency; Aniridia-cerebellar ataxia-intellectual disability syndrome. Identifiers: Orphanet 1065, MedGen C0431401, MONDO:0008795, OMIM 206700.
Spinocerebellar ataxia type 15/16 (SCA15). Also called: Spinocerebellar Ataxia Type 15. Identifiers: Orphanet 98769, MedGen C1847725, MONDO:0011694, OMIM 606658.

Submission:

Juno Genomics, Hangzhou Juno Genomics, Inc
Classification: Uncertain significance for Gillespie syndrome; Spinocerebellar ataxia type 15/16; Spinocerebellar ataxia type 29. Review status: criteria provided, single submitter. Criteria: ACMG Guidelines, 2015. Collection method: clinical testing. Allele origin: germline. Affected: yes.
Comment: Absent from controls (or at extremely low frequency if recessive) in Genome Aggregation Database, Exome Sequencing Project, 1000 Genomes Project, or Exome Aggregation Consortium.;Multiple lines of computational evidence support a deleterious effect on the gene or gene product (conservation, evolutionary, splicing impact, etc).;Missense variant in a gene that has a low rate of benign missense variation and where missense variants are a common mechanism of disease.;Located in a mutational hot spot and/or critical and well-established functional domain (e.g. active site of an enzyme) without benign variation.

NM_001378452.1(ITPR1):c.7373T>G (p.Ile2458Ser)

Gene: ITPR1 (inositol 1,4,5-trisphosphate receptor type 1; plus strand). Cytogenetic location: 3p26.1.
Variant type: single nucleotide variant.
Coding change: c.7373T>G on transcript NM_001378452.1 (MANE Select); coding-DNA position 7373, T replaced by G.
Protein change: p.Ile2458Ser; replaces isoleucine 2458 with serine.
Molecular consequence: missense variant.
Genome position (GRCh38, 1-based): chr3:4,811,365, T>G. VCF-style: chr3-4811365-T-G. GRCh37 (hg19) VCF-style: chr3-4853049-T-G.
Other names: c.7229T>G, p.Ile2410Ser (NM_001099952.4); c.7328T>G, p.Ile2443Ser (NM_001168272.2); c.7184T>G, p.Ile2395Ser (NM_002222.7); short protein forms I2395S, I2410S, I2443S, I2458S.
Identifiers: ClinVar variation 4531206 (VCV004531206.1).